The following is an entry in ClinVar:

NM_000059.4(BRCA2):c.3720_3723del (p.Phe1241fs)

Gene: BRCA2 (BRCA2 DNA repair associated; plus strand). Cytogenetic location: 13q13.1.
Variant type: Deletion.
Coding change: c.3720_3723del on transcript NM_000059.4 (MANE Select); coding-DNA positions 3720 to 3723, 4 bases deleted (GTTT; older notation c.3720_3723delGTTT).
Protein change: p.Phe1241fs; shifts the reading frame from phenylalanine 1241.
Molecular consequence: frameshift variant.
Genome position (GRCh38, 1-based): chr13:32,338,075-32,338,078, GTTT deleted; deleting any 4 consecutive bases within chr13:32,338,074-32,338,078 gives the same sequence; the c. name uses the placement nearest the transcript's 3' end. VCF-style (leftmost placement, unchanged base first): chr13-32338073-CTGTT-C. GRCh37 (hg19) VCF-style: chr13-32912210-CTGTT-C.
Other names: c.3720_3723delGTTT (NM_000059.3); short protein forms F1241fs.
Identifiers: ClinVar variation 254523 (VCV000254523.15), dbSNP rs886038093, ClinGen allele CA10586514.
Genomic context (GRCh38, chr13:32,338,073, plus strand): 5'-TATTCTGCTCATGGCACAAAACTGAATGTTTCTACTGAAGCTCTGCAAAAAGCTGTGAAA[CTGTT>C]TAGTGATATTGAGAATATTAGTGAGGAAACTTCTGCAGAGGTACATCCAATAAGTTTATC-3'

ClinVar aggregate classification (germline): Pathogenic. Review status: reviewed by expert panel (3 of 4 stars). 4 submissions from 4 submitters: Pathogenic (1). 3 of the submissions do not count toward it. Last evaluated 2016-09-08.

Conditions:
Hereditary cancer-predisposing syndrome. Also called: Tumor predisposition; Neoplastic Syndromes, Hereditary; Hereditary Cancer Syndrome; Hereditary neoplastic syndrome. Identifiers: Orphanet 140162, MedGen C0027672, MeSH D009386, MONDO:0015356.
Breast-ovarian cancer, familial, susceptibility to, 2 (BROVCA2). Also called: BRCA2 Hereditary Breast and Ovarian Cancer. Identifiers: Orphanet 145, MedGen C2675520, MONDO:0012933, OMIM 612555. Disease mechanism: loss of function.
Familial cancer of breast. Also called: hereditary breast carcinoma; BREAST CANCER, FAMILIAL; Hereditary breast cancer. Identifiers: Orphanet 227535, MedGen C0346153, MONDO:0016419, OMIM 114480. Disease mechanism: loss of function.
Hereditary breast ovarian cancer syndrome. Also called: Hereditary breast and ovarian cancer; Hereditary breast and ovarian cancer syndrome (HBOC); Breast and ovarian cancer; BRCA1- and BRCA2-Associated Hereditary Breast and Ovarian Cancer; Hereditary breast and ovarian cancer syndrome; Hereditary breast and/or ovarian cancer syndrome. Identifiers: Orphanet 145, MedGen C0677776, MeSH D061325, MONDO:0003582. Disease mechanism: loss of function.

Submissions (4):

Evidence-based Network for the Interpretation of Germline Mutant Alleles (ENIGMA)
Classification: Pathogenic for Breast-ovarian cancer, familial, susceptibility to, 2. Last evaluated: 2016-09-08. Review status: reviewed by expert panel. Criteria: ENIGMA BRCA1/2 Classification Criteria (2015). Collection method: curation. Allele origin: germline.
Comment: Variant allele predicted to encode a truncated non-functional protein.

Ambry Genetics
Classification: Pathogenic for Hereditary cancer-predisposing syndrome. Last evaluated: 2026-09-03. Review status: criteria provided, single submitter. Criteria: Ambry Variant Classification Scheme 2023. Collection method: clinical testing. Allele origin: germline. Not counted in ClinVar's aggregate classification.
Comment: The c.3720_3723delGTTT pathogenic mutation, located in coding exon 10 of the BRCA2 gene, results from a deletion of 4 nucleotides at nucleotide positions 3720 to 3723, causing a translational frameshift with a predicted alternate stop codon (p.F1241Vfs*17). This variant is considered to be rare based on population cohorts in the Genome Aggregation Database (gnomAD). This alteration is expected to result in loss of function by premature protein truncation or nonsense-mediated mRNA decay. As such, this alteration is interpreted as a disease-causing mutation.

Labcorp Genetics (formerly Invitae), Labcorp
Classification: Pathogenic for Hereditary breast ovarian cancer syndrome. Last evaluated: 2024-03-06. Review status: criteria provided, single submitter. Criteria: Invitae Variant Classification Sherloc (09022015). Collection method: clinical testing. Allele origin: germline. Not counted in ClinVar's aggregate classification.
Comment: This sequence change creates a premature translational stop signal (p.Phe1241Valfs*17) in the BRCA2 gene. It is expected to result in an absent or disrupted protein product. Loss-of-function variants in BRCA2 are known to be pathogenic (PMID: 20104584). This variant is not present in population databases (gnomAD no frequency). This premature translational stop signal has been observed in individual(s) with breast cancer (PMID: 32959997). ClinVar contains an entry for this variant (Variation ID: 254523). For these reasons, this variant has been classified as Pathogenic.

Department of Pathology and Laboratory Medicine, Sinai Health System
Classification: Pathogenic for Familial cancer of breast; Breast-ovarian cancer, familial, susceptibility to, 2. Last evaluated: 2022-08-25. Review status: criteria provided, single submitter. Criteria: ACMG Guidelines, 2015. Collection method: clinical testing. Allele origin: germline. Affected: yes. Not counted in ClinVar's aggregate classification.

Literature cited by the submitters: PubMed 20104584 (cited by Labcorp Genetics (formerly Invitae), Labcorp); PubMed 32959997 (cited by Labcorp Genetics (formerly Invitae), Labcorp).